The following is an entry in ClinVar:

NM_000318.3(PEX2):c.825C>T (p.Asp275=)

Gene: PEX2 (peroxisomal biogenesis factor 2; minus strand). Cytogenetic location: 8q21.13.
Variant type: single nucleotide variant.
Coding change: c.825C>T on transcript NM_000318.3 (MANE Select); coding-DNA position 825, C replaced by T.
Protein change: p.Asp275=; no amino-acid change (aspartic acid 275 retained).
Molecular consequence: synonymous variant.
Genome position (GRCh38, 1-based): chr8:76,983,354, G>A on the plus strand (C>T on the coding strand, the complement: PEX2 is on the minus strand). VCF-style: chr8-76983354-G-A. GRCh37 (hg19) VCF-style: chr8-77895590-G-A.
Other names: c.825C>T, p.Asp275= (NM_001079867.2, NM_001172086.2, NM_001172087.2).
Identifiers: ClinVar variation 497960 (VCV000497960.18), dbSNP rs367649632, ClinGen allele CA4788647.

ClinVar aggregate classification (germline): Conflicting classifications of pathogenicity. Review status: criteria provided, conflicting classifications (1 of 4 stars). 4 submissions from 4 submitters: Uncertain significance (1); Likely benign (1). 2 of the submissions do not count toward it. Last evaluated 2025-10-22.

Conditions:
PEX2-related disorder. Also called: PEX2-related condition.
Peroxisome biogenesis disorder 5A (Zellweger) (PBD5A). Identifiers: Orphanet 912, MedGen C3553940, MONDO:0013932, OMIM 614866.
Zellweger spectrum disorders (ZS). Also called: Zellweger Spectrum Disorder; Zellweger Spectrum; Zellweger syndrome; Zellweger Spectrum Disorder (ZSD). Identifiers: Orphanet 912, MedGen C0043459, MONDO:0019609.

Allele frequency attached by ClinVar (database versions not stated): gnomAD below 0.00001 and 0.00001; TOPMed 0.00001; ExAC 0.00002; gnomAD exomes 0.00002 and 0.00003; ESP Exome Variant Server 0.00008.
gnomAD v4.1: 31 of 1,613,810 alleles (0.0019%); highest among the groups gnomAD compares: Middle Eastern, 0.033%; no homozygotes.

Submissions (4):

Labcorp Genetics (formerly Invitae), Labcorp
Classification: Likely benign for Peroxisome biogenesis disorder 5A (Zellweger). Last evaluated: 2025-10-22. Review status: criteria provided, single submitter. Criteria: Invitae Variant Classification Sherloc (09022015). Collection method: clinical testing. Allele origin: germline.

Eurofins Ntd Llc (ga)
Classification: Uncertain significance. Last evaluated: 2016-10-11. Review status: criteria provided, single submitter. Criteria: EGL Classification Definitions 2015. Collection method: clinical testing. Allele origin: germline. Observed: 1 variant allele, 1 heterozygote.

Natera, Inc.
Classification: Likely benign for Zellweger syndrome. Last evaluated: 2020-09-21. Review status: no assertion criteria provided. Collection method: clinical testing. Allele origin: germline. Not counted in ClinVar's aggregate classification.

PreventionGenetics, part of Exact Sciences
Classification: Likely benign for PEX2-related condition. Last evaluated: 2019-09-13. Review status: no assertion criteria provided. Collection method: clinical testing. Allele origin: germline. Not counted in ClinVar's aggregate classification.
Comment: This variant is classified as likely benign based on ACMG/AMP sequence variant interpretation guidelines (Richards et al. 2015 PMID: 25741868, with internal and published modifications).